The following is an entry in ClinVar:

ClinVar aggregate classification (germline): Benign (1 of 4 stars; one submission).

Conditions:
Peroxisome biogenesis disorder 7A (Zellweger). Also called: Peroxisome biogenesis disorder 7A. Identifiers: Orphanet 912, MedGen C3888385, MONDO:0013938, OMIM 614872.

Allele frequency attached by ClinVar (database versions not stated): TOPMed 0.01912; 1000 Genomes Project 30x 0.01936; 1000 Genomes Project 0.01937.

Submission:

Illumina Laboratory Services, Illumina
Classification: Benign for Peroxisome biogenesis disorder 7A (Zellweger). Last evaluated: 2018-01-12. Review status: criteria provided, single submitter. Criteria: ICSL Variant Classification Criteria 13 December 2019. Collection method: clinical testing. Allele origin: germline.
Comment: This variant was observed in the ICSL laboratory as part of a predisposition screen in an ostensibly healthy population. It had not been previously curated by ICSL or reported in the Human Gene Mutation Database (HGMD: prior to June 1st, 2018), and was therefore a candidate for classification through an automated scoring system. Utilizing variant allele frequency, disease prevalence and penetrance estimates, and inheritance mode, an automated score was calculated to assess if this variant is too frequent to cause the disease. Based on the score and internal cut-off values, a variant classified as benign is not then subjected to further curation. The score for this variant resulted in a classification of benign for this disease.

NM_001127649.3(PEX26):c.*944C>A

Gene: PEX26 (peroxisomal biogenesis factor 26; plus strand). Cytogenetic location: 22q11.21.
Variant type: single nucleotide variant.
Coding change: c.*944C>A on transcript NM_001127649.3 (MANE Select); 944 bases downstream of the stop codon, C replaced by A.
Molecular consequence: 3 prime UTR variant.
Genome position (GRCh38, 1-based): chr22:18,089,019, C>A. VCF-style: chr22-18089019-C-A. GRCh37 (hg19) VCF-style: chr22-18571785-C-A.
Other names: c.*944C>A (NM_001199319.2, NM_017929.6).
Identifiers: ClinVar variation 340777 (VCV000340777.5), dbSNP rs78412274, ClinGen allele CA10653205.